The following is an entry in ClinVar:

ClinVar aggregate classification (germline): Likely benign (0 of 4 stars; one submission).

Conditions:
ACOX2-related disorder. Also called: ACOX2-related condition.

Allele frequency attached by ClinVar (database versions not stated): gnomAD exomes below 0.00001; gnomAD 0.00001; TOPMed 0.00002.
gnomAD v4.1: 8 of 1,614,064 alleles (0.0005%); highest among the groups gnomAD compares: African/African-American, 0.0053%; no homozygotes.

Submission:

PreventionGenetics, part of Exact Sciences
Classification: Likely benign for ACOX2-related condition. Last evaluated: 2021-12-17. Review status: no assertion criteria provided. Collection method: clinical testing. Allele origin: germline.
Comment: This variant is classified as likely benign based on ACMG/AMP sequence variant interpretation guidelines (Richards et al. 2015 PMID: 25741868, with internal and published modifications).

NM_003500.4(ACOX2):c.279C>T (p.Arg93=)

Gene: ACOX2 (acyl-CoA oxidase 2; minus strand). Cytogenetic location: 3p14.3.
Variant type: single nucleotide variant.
Coding change: c.279C>T on transcript NM_003500.4 (MANE Select); coding-DNA position 279, C replaced by T.
Protein change: p.Arg93=; no amino-acid change (arginine 93 retained).
Molecular consequence: synonymous variant.
Genome position (GRCh38, 1-based): chr3:58,534,404, G>A on the plus strand (C>T on the coding strand, the complement: ACOX2 is on the minus strand). VCF-style: chr3-58534404-G-A. GRCh37 (hg19) VCF-style: chr3-58520131-G-A.
Identifiers: ClinVar variation 3029644 (VCV003029644.2), dbSNP rs760929659, ClinGen allele CA2472468.
Genomic context (GRCh38, chr3:58,534,404, plus strand): 5'-CTCGAGGAGTGAGCACCTGTAAGCGTAGCCTAATTCACGACCATCTTCTAACCAACCCAG[G>A]CGCCGAGCTATCAACCGGATGTGGAATGCCCTCCGCATGGCAGCCTTATAACGCTCATTC-3'
Protein context (NP_003491.1, residues 83-103): RAFHIRLIAR[Arg93=]LGWLEDGREL